The following is an entry in ClinVar:

ClinVar aggregate classification (germline): Uncertain significance (1 of 4 stars; one submission).

Conditions:
Sulfite oxidase deficiency due to molybdenum cofactor deficiency type C. Also called: Molybdenum cofactor deficiency, complementation group C; Molybdenum cofactor deficiency C. Identifiers: Orphanet 308400, Orphanet 833, MedGen C1854990, MONDO:0014212, OMIM 615501.

Submission:

Labcorp Genetics (formerly Invitae), Labcorp
Classification: Uncertain significance for Sulfite oxidase deficiency due to molybdenum cofactor deficiency type C. Last evaluated: 2024-07-16. Review status: criteria provided, single submitter. Criteria: Invitae Variant Classification Sherloc (09022015). Collection method: clinical testing. Allele origin: germline.
Comment: This sequence change replaces glycine, which is neutral and non-polar, with aspartic acid, which is acidic and polar, at codon 264 of the GPHN protein (p.Gly264Asp). This variant is not present in population databases (gnomAD no frequency). This variant has not been reported in the literature in individuals affected with GPHN-related conditions. An algorithm developed to predict the effect of missense changes on protein structure and function (PolyPhen-2) suggests that this variant is likely to be tolerated. In summary, the available evidence is currently insufficient to determine the role of this variant in disease. Therefore, it has been classified as a Variant of Uncertain Significance.

NM_020806.5(GPHN):c.791G>A (p.Gly264Asp)

Gene: GPHN (gephyrin; plus strand). Cytogenetic location: 14q23.3.
Variant type: single nucleotide variant.
Coding change: c.791G>A on transcript NM_020806.5 (MANE Select); coding-DNA position 791, G replaced by A.
Protein change: p.Gly264Asp; replaces glycine 264 with aspartic acid.
Molecular consequence: missense variant. On other transcripts: intron variant (7).
Genome position (GRCh38, 1-based): chr14:66,924,255, G>A. VCF-style: chr14-66924255-G-A. GRCh37 (hg19) VCF-style: chr14-67390972-G-A.
Other names: c.768+1317G>A (NM_001377514.1, NM_001377519.1); c.729+1317G>A (NM_001377515.1, NM_001377516.1, NM_001377518.1 and 2 more transcripts); short protein forms G264D.
Identifiers: ClinVar variation 3658876 (VCV003658876.2).